The following is an entry in ClinVar:

NM_000051.4(ATM):c.117A>G (p.Thr39=)

Gene: ATM (ATM serine/threonine kinase; plus strand). Cytogenetic location: 11q22.3.
Variant type: single nucleotide variant.
Coding change: c.117A>G on transcript NM_000051.4 (MANE Select); coding-DNA position 117, A replaced by G.
Protein change: p.Thr39=; no amino-acid change (threonine 39 retained).
Molecular consequence: synonymous variant.
Genome position (GRCh38, 1-based): chr11:108,227,820, A>G. VCF-style: chr11-108227820-A-G. GRCh37 (hg19) VCF-style: chr11-108098547-A-G.
Other names: c.117A>G, p.Thr39= (NM_001351834.2, NM_001351835.2, NM_001351836.2).
Identifiers: ClinVar variation 2698149 (VCV002698149.4), dbSNP rs1191557933, ClinGen allele CA476668063.
Genomic context (GRCh38, chr11:108,227,820, plus strand): 5'-TCCTTTTTATTTTCAGAAAGAAGTTGAGAAATTTAAGCGCCTGATTCGAGATCCTGAAAC[A>G]ATTAAACATCTAGATCGGCATTCAGATTCCAAACAAGGAAAATATTTGAATTGGGATGCT-3'
Protein context (NP_000042.3, residues 29-49): KFKRLIRDPE[Thr39=]IKHLDRHSDS

ClinVar aggregate classification (germline): Benign/Likely benign. Review status: criteria provided, multiple submitters, no conflicts (2 of 4 stars). 2 submissions from 2 submitters: Benign (1); Likely benign (1). Last evaluated 2024-04-17.

Conditions:
Familial cancer of breast. Also called: BREAST CANCER, FAMILIAL; Hereditary breast cancer; hereditary breast carcinoma. Identifiers: Orphanet 227535, MedGen C0346153, MONDO:0016419, OMIM 114480. Disease mechanism: loss of function.
Ataxia-telangiectasia syndrome (AT). Also called: Cerebello-oculocutaneous telangiectasia; Immunodeficiency with ataxia telangiectasia; Ataxia-telangiectasia, complementation group E; LOUIS-BAR SYNDROME; Ataxia telangiectasia (A-T); AT, COMPLEMENTATION GROUP C. Identifiers: Orphanet 100, MedGen C0004135, MONDO:0008840, OMIM 208900.

Submissions (2):

Myriad Genetics, Inc.
Classification: Benign for Familial cancer of breast. Last evaluated: 2024-04-17. Review status: criteria provided, single submitter. Criteria: Myriad Autosomal Dominant, Autosomal Recessive and X-Linked Classification Criteria (2023). Collection method: clinical testing. Allele origin: unknown.
Comment: This variant is considered benign. This variant is a silent/synonymous amino acid change and it is not expected to impact splicing.

Labcorp Genetics (formerly Invitae), Labcorp
Classification: Likely benign for Ataxia-telangiectasia syndrome. Last evaluated: 2023-11-22. Review status: criteria provided, single submitter. Criteria: Invitae Variant Classification Sherloc (09022015). Collection method: clinical testing. Allele origin: germline.